The following is an entry in ClinVar:

ClinVar aggregate classification (germline): Uncertain significance (1 of 4 stars; one submission).

gnomAD v4.1: 62 of 1,611,016 alleles (0.0038%); highest among the groups gnomAD compares: East Asian, 0.033%; no homozygotes.

Submission:

Labcorp Genetics (formerly Invitae), Labcorp
Classification: Uncertain significance. Last evaluated: 2025-01-16. Review status: criteria provided, single submitter. Criteria: Invitae Variant Classification Sherloc (09022015). Collection method: clinical testing. Allele origin: germline.
Comment: This sequence change replaces arginine, which is basic and polar, with glutamine, which is neutral and polar, at codon 396 of the ORC1 protein (p.Arg396Gln). This variant also falls at the last nucleotide of exon 7, which is part of the consensus splice site for this exon. This variant is present in population databases (rs752188468, gnomAD 0.05%). This variant has not been reported in the literature in individuals affected with ORC1-related conditions. An algorithm developed to predict the effect of missense changes on protein structure and function outputs the following: PolyPhen-2: "Benign". The glutamine amino acid residue is found in multiple mammalian species, which suggests that this missense change does not adversely affect protein function. Variants that disrupt the consensus splice site are a relatively common cause of aberrant splicing (PMID: 17576681, 9536098). Algorithms developed to predict the effect of sequence changes on RNA splicing suggest that this variant may disrupt the consensus splice site. In summary, the available evidence is currently insufficient to determine the role of this variant in disease. Therefore, it has been classified as a Variant of Uncertain Significance.

Literature cited by the submitters: PubMed 17576681; PubMed 9536098.

NM_004153.4(ORC1):c.1187G>A (p.Arg396Gln)

Gene: ORC1 (origin recognition complex subunit 1; minus strand). Cytogenetic location: 1p32.3.
Variant type: single nucleotide variant.
Coding change: c.1187G>A on transcript NM_004153.4 (MANE Select); coding-DNA position 1187, G replaced by A.
Protein change: p.Arg396Gln; replaces arginine 396 with glutamine.
Molecular consequence: missense variant.
Genome position (GRCh38, 1-based): chr1:52,389,217, C>T on the plus strand (G>A on the coding strand, the complement: ORC1 is on the minus strand). VCF-style: chr1-52389217-C-T. GRCh37 (hg19) VCF-style: chr1-52854889-C-T.
Other names: c.1187G>A, p.Arg396Gln (NM_001190818.2, NM_001190819.2); short protein forms R396Q.
Identifiers: ClinVar variation 3714099 (VCV003714099.1).